The following is an entry in ClinVar:

NM_000057.4(BLM):c.1862A>T (p.Glu621Val)

Gene: BLM (BLM RecQ like helicase; plus strand). Cytogenetic location: 15q26.1.
Variant type: single nucleotide variant.
Coding change: c.1862A>T on transcript NM_000057.4 (MANE Select); coding-DNA position 1862, A replaced by T.
Protein change: p.Glu621Val; replaces glutamic acid 621 with valine.
Molecular consequence: missense variant.
Genome position (GRCh38, 1-based): chr15:90,761,235, A>T. VCF-style: chr15-90761235-A-T. GRCh37 (hg19) VCF-style: chr15-91304465-A-T.
Other names: c.1862A>T, p.Glu621Val (NM_001287246.2, NM_001287247.2); c.737A>T, p.Glu246Val (NM_001287248.2); short protein forms E246V, E621V.
Identifiers: ClinVar variation 2586907 (VCV002586907.2), dbSNP rs2505429785, ClinGen allele CA393844005.

ClinVar aggregate classification (germline): Uncertain significance (1 of 4 stars; one submission).

Conditions:
Hereditary cancer-predisposing syndrome. Also called: Hereditary neoplastic syndrome; Tumor predisposition; Hereditary Cancer Syndrome; Neoplastic Syndromes, Hereditary. Identifiers: Orphanet 140162, MedGen C0027672, MeSH D009386, MONDO:0015356.

Submission:

Ambry Genetics
Classification: Uncertain significance for Hereditary cancer-predisposing syndrome. Last evaluated: 2023-09-07. Review status: criteria provided, single submitter. Criteria: Ambry Variant Classification Scheme 2023. Collection method: clinical testing. Allele origin: germline.
Comment: The p.E621V variant (also known as c.1862A>T), located in coding exon 6 of the BLM gene, results from an A to T substitution at nucleotide position 1862. The glutamic acid at codon 621 is replaced by valine, an amino acid with dissimilar properties. This amino acid position is conserved. In addition, this alteration is predicted to be tolerated by in silico analysis. Since supporting evidence is limited at this time, the clinical significance of this alteration remains unclear.